The following is an entry in ClinVar:

ClinVar aggregate classification (germline): Likely pathogenic (1 of 4 stars; one submission).

Conditions:
Hereditary breast ovarian cancer syndrome. Also called: Hereditary breast and ovarian cancer; Breast and ovarian cancer; BRCA1- and BRCA2-Associated Hereditary Breast and Ovarian Cancer; Hereditary breast and/or ovarian cancer syndrome; Hereditary breast and ovarian cancer syndrome; Hereditary breast and ovarian cancer syndrome (HBOC). Identifiers: Orphanet 145, MedGen C0677776, MeSH D061325, MONDO:0003582. Disease mechanism: loss of function.

Submission:

Labcorp Genetics (formerly Invitae), Labcorp
Classification: Likely pathogenic for Hereditary breast ovarian cancer syndrome. Last evaluated: 2023-11-19. Review status: criteria provided, single submitter. Criteria: Invitae Variant Classification Sherloc (09022015). Collection method: clinical testing. Allele origin: germline.
Comment: This variant results in a copy number gain of the genomic region encompassing exon(s) 17-20 of the BRCA2 gene. While the exact position of this variant cannot be determined from the data, sub-genic copy number gains are generally in tandem (PMID: 25640679). This variant is predicted to be out-of-frame, and may result in an absent or disrupted protein product. Loss-of-function variants in BRCA2 are known to be pathogenic (PMID: 20104584). A similar copy number variant has been observed in individual(s) with hereditary breast and/or ovarian cancer (PMID: 22473970). In summary, the currently available evidence indicates that the variant is pathogenic, but additional data are needed to prove that conclusively. Therefore, this variant has been classified as Likely Pathogenic.

Literature cited by the submitters: PubMed 25640679; PubMed 20104584; PubMed 22473970.

NC_000013.10:g.(?_32936534)_(32945257_?)dup

Gene: BRCA2 (BRCA2 DNA repair associated; plus strand). Cytogenetic location: 13q13.1.
Variant type: Duplication.
Identifiers: ClinVar variation 1502677 (VCV001502677.7).